The following is an entry in ClinVar:

ClinVar aggregate classification (germline): Uncertain significance (1 of 4 stars; one submission).

Allele frequency attached by ClinVar (database versions not stated): gnomAD exomes 0.00001 and 0.00002; TOPMed 0.00001; ExAC 0.00003; gnomAD 0.00003.
gnomAD v4.1: 10 of 1,610,660 alleles (0.00062%); highest among the groups gnomAD compares: Admixed American, 0.0084%; no homozygotes.

Submission:

Labcorp Genetics (formerly Invitae), Labcorp
Classification: Uncertain significance. Last evaluated: 2021-04-05. Review status: criteria provided, single submitter. Criteria: Invitae Variant Classification Sherloc (09022015). Collection method: clinical testing. Allele origin: germline.
Comment: In summary, the available evidence is currently insufficient to determine the role of this variant in disease. Therefore, it has been classified as a Variant of Uncertain Significance. Algorithms developed to predict the effect of sequence changes on RNA splicing suggest that this variant may create or strengthen a splice site, but this prediction has not been confirmed by published transcriptional studies. Algorithms developed to predict the effect of missense changes on protein structure and function are either unavailable or do not agree on the potential impact of this missense change (SIFT: "Deleterious"; PolyPhen-2: "Benign"; Align-GVGD: "Class C0"). This variant has not been reported in the literature in individuals with TAPT1-related conditions. This variant is present in population databases (rs780629454, ExAC 0.01%). This sequence change replaces histidine with arginine at codon 86 of the TAPT1 protein (p.His86Arg). The histidine residue is moderately conserved and there is a small physicochemical difference between histidine and arginine.

NM_153365.3(TAPT1):c.257A>G (p.His86Arg)

Gene: TAPT1 (transmembrane anterior posterior transformation 1; minus strand). Cytogenetic location: 4p15.32.
Variant type: single nucleotide variant.
Coding change: c.257A>G on transcript NM_153365.3 (MANE Select); coding-DNA position 257, A replaced by G.
Protein change: p.His86Arg; replaces histidine 86 with arginine.
Molecular consequence: missense variant.
Genome position (GRCh38, 1-based): chr4:16,213,841, T>C on the plus strand (A>G on the coding strand, the complement: TAPT1 is on the minus strand). VCF-style: chr4-16213841-T-C. GRCh37 (hg19) VCF-style: chr4-16215464-T-C.
Other names: short protein forms H86R.
Identifiers: ClinVar variation 1487254 (VCV001487254.8), dbSNP rs780629454, ClinGen allele CA2867560.